The following is an entry in ClinVar:

ClinVar aggregate classification (germline): Conflicting classifications of pathogenicity. Review status: criteria provided, conflicting classifications (1 of 4 stars). 2 submissions from 2 submitters: Likely pathogenic (1); Uncertain significance (1). Last evaluated 2026-02-16.

Conditions:
Polycystic kidney disease, adult type (PKD1). Also called: Polycystic kidney disease 1, severe; Polycystic Kidney Disease 1, Autosomal Dominant; Polycystic kidney disease 1; Polycystic Kidney, Autosomal Dominant; POLYCYSTIC KIDNEY DISEASE 1 WITH OR WITHOUT POLYCYSTIC LIVER DISEASE; POLYCYSTIC KIDNEY DISEASE, ADULT, TYPE I. Identifiers: MedGen C3149841, MONDO:0008263, OMIM 173900.

Submissions (2):

Victorian Clinical Genetics Services, Murdoch Childrens Research Institute
Classification: Uncertain significance for Polycystic kidney disease, adult type. Last evaluated: 2026-02-16. Review status: criteria provided, single submitter. Criteria: ACMG Guidelines, 2015. Collection method: clinical testing. Allele origin: germline. Affected: yes.
Comment: This variant is classified as VUS-3A. Evidence in support of pathogenic classification: Non-canonical splice site variant without proven consequence on splicing (no functional evidence available); Variant is absent from gnomAD (v2, v3 and v4); This variant has limited previous evidence of pathogenicity in an unrelated individual(s). This variant has been classified as likely pathogenic by a clinical laboratory in ClinVar, and reported in the literature in one family from an ADPKD cohort (PMID: 26823553). Additional information: This variant is heterozygous; This gene is associated with autosomal dominant disease. Polycystic kidney disease 1 (MIM#173900) is predominantly caused by monoallelic variants, with rare reports of biallelic variants causing disease (OMIM); Alternative nucleotide change(s) at the same nucleotide position are present in gnomAD (highest allele count: v4: 2 heterozygote(s), 0 homozygote(s)); No published evidence of segregation with disease has been identified for this variant; No published functional evidence has been identified for this variant; Another splice variant(s) comparable to the one identified in this case has inconclusive previous evidence for pathogenicity. c.11156+5G>A has been classified as a VUS by a clinical laboratory in ClinVar. This variant has also been reported in literature in an unaffected mother of two probands with polycystic kidney disease; however the probands themselves were not tested for this variant. This variant is also shown to result in skipping of exon 38 (PMID: 28578020); In silico prediction for abnormal splicing and nucleotide conservation are conflicting; Loss of function is a known mechanism of disease in this gene and is associated with polycystic kidney disease 1 (MIM#173900); Inheritance information for this variant is not currently available in this individual.

MVZ Medizinische Genetik Mainz
Classification: Likely pathogenic for Polycystic kidney disease, adult type. Last evaluated: 2025-12-12. Review status: criteria provided, single submitter. Criteria: UK Practice Guidelines For Variant Classification V4 01 2020. Collection method: clinical testing. Allele origin: germline. Inheritance: Autosomal dominant inheritance. Affected: yes. Observed: 1 variant allele.
Comment: ACMG Criteria: PS1,PM2_SUP,PP3

Literature cited by the submitters: PubMed 26823553 (cited by Victorian Clinical Genetics Services, Murdoch Childrens Research Institute); PubMed 28578020 (cited by Victorian Clinical Genetics Services, Murdoch Childrens Research Institute).

NM_001009944.3(PKD1):c.11156+5G>C

Genes: PKD1 (polycystin 1, transient receptor potential channel interacting; minus strand), PKD1-AS1 (PKD1 antisense RNA 1; plus strand). Cytogenetic location: 16p13.3.
Variant type: single nucleotide variant.
Coding change: c.11156+5G>C on transcript NM_001009944.3 (MANE Select); 5 bases into the intron after coding-DNA position 11156, G replaced by C.
Molecular consequence: intron variant. On other transcripts: non-coding transcript variant (1).
Genome position (GRCh38, 1-based): chr16:2,092,949, C>G on the plus strand (G>C on the coding strand, the complement: PKD1 is on the minus strand). VCF-style: chr16-2092949-C-G. GRCh37 (hg19) VCF-style: chr16-2142950-C-G.
Other names: c.11153+5G>C (NM_000296.4).
Identifiers: ClinVar variation 4540436 (VCV004540436.2).
Genomic context (GRCh38, chr16:2,092,949, plus strand): 5'-GGTCTGGCTGGACTAAAGGCAAAACTAAAGCCCAGAAGACAGACCAGTGCACCGGATGCC[C>G]GTACCGCGTGATGGCCAGGAAGGCCCGGCTGTGCAGCTCCTGCTTGATGGCGCTTTGCAG-3'